The following is an entry in ClinVar:

NM_016379.4(VCX3A):c.333G>A (p.Glu111=)

Genes: VCX3A (variable charge X-linked 3A; minus strand), LOC106029240 (S232-VCX3A recombination region; plus strand). Cytogenetic location: Xp22.31.
Variant type: single nucleotide variant.
Coding change: c.333G>A on transcript NM_016379.4 (MANE Select); coding-DNA position 333, G replaced by A.
Protein change: p.Glu111=; no amino-acid change (glutamic acid 111 retained).
Molecular consequence: synonymous variant.
Genome position (GRCh38, 1-based): chrX:6,533,973, C>T on the plus strand (G>A on the coding strand, the complement: VCX3A is on the minus strand). VCF-style: chrX-6533973-C-T. GRCh37 (hg19) VCF-style: chrX-6452014-C-T.
Identifiers: ClinVar variation 2659910 (VCV002659910.24), dbSNP rs371817248, ClinGen allele CA10341596.

ClinVar aggregate classification (germline): Likely benign (1 of 4 stars; one submission).

Allele frequency attached by ClinVar (database versions not stated): ExAC 0.00012; gnomAD 0.00014; ESP Exome Variant Server 0.00326.

Submission:

CeGaT Center for Human Genetics Tuebingen
Classification: Likely benign. Last evaluated: 2023-05-01. Review status: criteria provided, single submitter. Criteria: CeGaT Center For Human Genetics Tuebingen Variant Classification Criteria Version 2. Collection method: clinical testing. Allele origin: germline. Affected: yes. Observed: 1 variant allele.
Comment: VCX3A: BP4, BP7